The following is an entry in ClinVar:

NM_002894.3(RBBP8):c.1553A>G (p.Gln518Arg)

Gene: RBBP8 (RB binding protein 8, endonuclease; plus strand). Cytogenetic location: 18q11.2.
Variant type: single nucleotide variant.
Coding change: c.1553A>G on transcript NM_002894.3 (MANE Select); coding-DNA position 1553, A replaced by G.
Protein change: p.Gln518Arg; replaces glutamine 518 with arginine.
Molecular consequence: missense variant.
Genome position (GRCh38, 1-based): chr18:22,993,380, A>G. VCF-style: chr18-22993380-A-G. GRCh37 (hg19) VCF-style: chr18-20573343-A-G.
Other names: c.1553A>G, p.Gln518Arg (NM_203291.2, NM_203292.2); short protein forms Q518R.
Identifiers: ClinVar variation 1524589 (VCV001524589.3), dbSNP rs368218004, ClinGen allele CA8910087.

ClinVar aggregate classification (germline): Uncertain significance (1 of 4 stars; one submission).

Allele frequency attached by ClinVar (database versions not stated): gnomAD exomes 0.00006 and 0.00011; ExAC 0.00007; ESP Exome Variant Server 0.00015; TOPMed 0.00028; gnomAD 0.00029 and 0.00031.
gnomAD v4.1: 199 of 1,614,146 alleles (0.012%); highest among the groups gnomAD compares: African/African-American, 0.092%; no homozygotes.

Submission:

Labcorp Genetics (formerly Invitae), Labcorp
Classification: Uncertain significance. Last evaluated: 2022-02-09. Review status: criteria provided, single submitter. Criteria: Invitae Variant Classification Sherloc (09022015). Collection method: clinical testing. Allele origin: germline.
Comment: This sequence change replaces glutamine, which is neutral and polar, with arginine, which is basic and polar, at codon 518 of the RBBP8 protein (p.Gln518Arg). This variant is present in population databases (rs368218004, gnomAD 0.08%). This variant has not been reported in the literature in individuals affected with RBBP8-related conditions. Algorithms developed to predict the effect of missense changes on protein structure and function are either unavailable or do not agree on the potential impact of this missense change (SIFT: "Deleterious"; PolyPhen-2: "Probably Damaging"; Align-GVGD: "Class C0"). In summary, the available evidence is currently insufficient to determine the role of this variant in disease. Therefore, it has been classified as a Variant of Uncertain Significance.